The following is an entry in ClinVar:

NM_007186.6(CEP250):c.5725C>T (p.Gln1909Ter)

Gene: CEP250 (centrosomal protein 250; plus strand). Cytogenetic location: 20q11.22.
Variant type: single nucleotide variant.
Coding change: c.5725C>T on transcript NM_007186.6 (MANE Select); coding-DNA position 5725, C replaced by T.
Protein change: p.Gln1909Ter; replaces glutamine 1909 with a stop codon.
Molecular consequence: nonsense.
Genome position (GRCh38, 1-based): chr20:35,504,094, C>T. VCF-style: chr20-35504094-C-T. GRCh37 (hg19) VCF-style: chr20-34091922-C-T.
Other names: c.3829C>T, p.Gln1277Ter (NM_001318219.1); short protein forms Q1909*, Q1277*.
Identifiers: ClinVar variation 1360232 (VCV001360232.6), dbSNP rs766398435, ClinGen allele CA9833918.

ClinVar aggregate classification (germline): Pathogenic (1 of 4 stars; one submission).

Allele frequency attached by ClinVar (database versions not stated): gnomAD exomes below 0.00001 and 0.00001; TOPMed below 0.00001; ExAC 0.00001; gnomAD 0.00001.
gnomAD v4.1: 9 of 1,610,330 alleles (0.00056%); highest among the groups gnomAD compares: Non-Finnish European, 0.00076%; no homozygotes.

Submission:

Labcorp Genetics (formerly Invitae), Labcorp
Classification: Pathogenic. Last evaluated: 2021-10-22. Review status: criteria provided, single submitter. Criteria: Invitae Variant Classification Sherloc (09022015). Collection method: clinical testing. Allele origin: germline.
Comment: For these reasons, this variant has been classified as Pathogenic. This variant has not been reported in the literature in individuals affected with CEP250-related conditions. This variant is present in population databases (rs766398435, ExAC 0.002%). This sequence change creates a premature translational stop signal (p.Gln1909*) in the CEP250 gene. It is expected to result in an absent or disrupted protein product. Loss-of-function variants in CEP250 are known to be pathogenic (PMID: 24780881, 29718797).

Literature cited by the submitters: PubMed 24780881; PubMed 29718797.